The following is an entry in ClinVar:

ClinVar aggregate classification (germline): Pathogenic (1 of 4 stars; one submission).

Conditions:
Hereditary spastic paraplegia 11. Also called: Spastic Paraplegia 11; Nakamura Osame syndrome; Autosomal recessive hereditary spastic paraplegia, mental impairment, and thin corpus callosum; Spastic paraplegia, mental retardation and thin corpus callosum; SPASTIC PARAPLEGIA, AUTOSOMAL RECESSIVE, COMPLICATED, WITH THIN CORPUS CALLOSUM; SPASTIC PARAPLEGIA, AUTOSOMAL RECESSIVE, WITH MENTAL IMPAIRMENT AND THIN CORPUS CALLOSUM. Identifiers: Orphanet 2822, MedGen C1858479, MONDO:0011445, OMIM 604360.

Submission:

Women's Health and Genetics/Laboratory Corporation of America, LabCorp
Classification: Pathogenic for Hereditary spastic paraplegia 11. Last evaluated: 2025-09-04. Review status: criteria provided, single submitter. Criteria: LabCorp Variant Classification Summary - May 2015. Collection method: clinical testing. Allele origin: germline.
Comment: Variant summary: SPG11 c.4806delG (p.Cys1603ValfsX4) results in a premature termination codon, predicted to cause a truncation of the encoded protein or absence of the protein due to nonsense mediated decay, which are commonly known mechanisms for disease. The variant was absent in 251334 control chromosomes. To our knowledge, no occurrence of c.4806delG in individuals affected with SPG11-related conditions and no experimental evidence demonstrating its impact on protein function have been reported. No submitters have cited clinical-significance assessments for this variant to ClinVar. Based on the evidence outlined above, the variant was classified as pathogenic.

NM_025137.4(SPG11):c.4806del (p.Cys1603fs)

Gene: SPG11 (SPG11 vesicle trafficking associated, spatacsin; minus strand). Cytogenetic location: 15q21.1.
Variant type: Deletion.
Coding change: c.4806del on transcript NM_025137.4 (MANE Select); coding-DNA position 4806, one base deleted (G; older notation c.4806delG).
Protein change: p.Cys1603fs; shifts the reading frame from cysteine 1603.
Molecular consequence: frameshift variant.
Genome position (GRCh38, 1-based): chr15:44,589,352, C deleted on the plus strand (G on the coding strand, the reverse complement: SPG11 is on the minus strand). VCF-style (leftmost placement, unchanged base first): chr15-44589351-AC-A. GRCh37 (hg19) VCF-style: chr15-44881549-AC-A.
Other names: c.4806delG (NM_025137.4); c.4806del, p.Cys1603fs (NM_001160227.2, NM_001411132.1); short protein forms C1603fs.
Identifiers: ClinVar variation 4535803 (VCV004535803.1).